The following is an entry in ClinVar:

NM_000441.2(SLC26A4):c.1191del (p.Phe398fs)

Gene: SLC26A4 (solute carrier family 26 member 4; plus strand). Cytogenetic location: 7q22.3.
Variant type: Deletion.
Coding change: c.1191del on transcript NM_000441.2 (MANE Select); coding-DNA position 1191, one base deleted (C; older notation c.1191delC).
Protein change: p.Phe398fs; shifts the reading frame from phenylalanine 398.
Molecular consequence: frameshift variant.
Genome position (GRCh38, 1-based): chr7:107,690,165, C deleted. VCF-style (leftmost placement, unchanged base first): chr7-107690164-TC-T. GRCh37 (hg19) VCF-style: chr7-107330609-TC-T.
Other names: short protein forms F398fs.
Identifiers: ClinVar variation 1724384 (VCV001724384.2), dbSNP rs2535319373, ClinGen allele CA2580076155.

ClinVar aggregate classification (germline): Likely pathogenic (1 of 4 stars; one submission).

Conditions:
Pendred syndrome (PDS). Also called: Pendred Syndrome (PDS); GOITER-DEAFNESS SYNDROME; HYPOTHYROIDISM, CONGENITAL, DUE TO DYSHORMONOGENESIS, 2B; Pendred's syndrome; DEAFNESS WITH GOITER; THYROID DYSHORMONOGENESIS 2B. Identifiers: Orphanet 705, MedGen C0271829, MONDO:0010134, OMIM 274600.

Submission:

Myriad Genetics, Inc.
Classification: Likely pathogenic for Pendred syndrome. Last evaluated: 2021-11-10. Review status: criteria provided, single submitter. Criteria: Myriad Women's Health Autosomal Recessive and X-Linked Classification Criteria (2021). Collection method: clinical testing. Allele origin: unknown.
Comment: NM_000441.1(SLC26A4):c.1191delC(F398Sfs*34) is expected to be pathogenic in the context of Pendred syndrome. This variant is predicted to lead to an abnormal or absent protein product due to the creation of a premature termination codon in SLC26A4, a gene where loss-of-function variants are known to be pathogenic. Please note: this variant was assessed in the context of healthy population screening.